The following is an entry in ClinVar:

ClinVar aggregate classification (germline): Uncertain significance (1 of 4 stars; one submission).

Conditions:
Hereditary spastic paraplegia 28. Also called: Spastic paraplegia 28, autosomal recessive. Identifiers: Orphanet 101008, MedGen C1836295, MONDO:0012256, OMIM 609340.

Allele frequency attached by ClinVar (database versions not stated): gnomAD 0.00002 and 0.00005; TOPMed 0.00005; ESP Exome Variant Server 0.00008; gnomAD exomes 0.00008; ExAC 0.00009; 1000 Genomes Project 30x 0.00078; 1000 Genomes Project 0.00080.
gnomAD v4.1: 43 of 1,614,094 alleles (0.0027%); highest among the groups gnomAD compares: South Asian, 0.027%; no homozygotes.

Submission:

Labcorp Genetics (formerly Invitae), Labcorp
Classification: Uncertain significance for Hereditary spastic paraplegia 28. Last evaluated: 2022-08-20. Review status: criteria provided, single submitter. Criteria: Invitae Variant Classification Sherloc (09022015). Collection method: clinical testing. Allele origin: germline.
Comment: This sequence change replaces valine, which is neutral and non-polar, with isoleucine, which is neutral and non-polar, at codon 803 of the DDHD1 protein (p.Val803Ile). This variant is present in population databases (rs184982008, gnomAD 0.03%). This variant has not been reported in the literature in individuals affected with DDHD1-related conditions. ClinVar contains an entry for this variant (Variation ID: 1435058). Algorithms developed to predict the effect of missense changes on protein structure and function (SIFT, PolyPhen-2, Align-GVGD) all suggest that this variant is likely to be tolerated. In summary, the available evidence is currently insufficient to determine the role of this variant in disease. Therefore, it has been classified as a Variant of Uncertain Significance.

NM_001160148.2(DDHD1):c.2386G>A (p.Val796Ile)

Gene: DDHD1 (DDHD domain containing 1; minus strand). Cytogenetic location: 14q22.1.
Variant type: single nucleotide variant.
Coding change: c.2386G>A on transcript NM_001160148.2 (MANE Select); coding-DNA position 2386, G replaced by A.
Protein change: p.Val796Ile; replaces valine 796 with isoleucine.
Molecular consequence: missense variant.
Genome position (GRCh38, 1-based): chr14:53,054,489, C>T on the plus strand (G>A on the coding strand, the complement: DDHD1 is on the minus strand). VCF-style: chr14-53054489-C-T. GRCh37 (hg19) VCF-style: chr14-53521207-C-T.
Other names: c.2407G>A, p.Val803Ile (NM_001160147.2); c.2386G>A, p.Val796Ile (NM_030637.3); short protein forms V803I, V796I.
Identifiers: ClinVar variation 1435058 (VCV001435058.5), dbSNP rs184982008, ClinGen allele CA7191009.